The following is an entry in ClinVar:

ClinVar aggregate classification (germline): Conflicting classifications of pathogenicity. Review status: criteria provided, conflicting classifications (1 of 4 stars). 2 submissions from 2 submitters: Uncertain significance (1); Likely benign (1). Last evaluated 2025-10-31.

Allele frequency attached by ClinVar (database versions not stated): gnomAD exomes below 0.00001.
gnomAD v4.1: 2 of 1,614,108 alleles (0.00012%); highest among the groups gnomAD compares: Middle Eastern, 0.016%; no homozygotes.

Submissions (2):

Labcorp Genetics (formerly Invitae), Labcorp
Classification: Uncertain significance. Last evaluated: 2025-10-31. Review status: criteria provided, single submitter. Criteria: Invitae Variant Classification Sherloc (09022015). Collection method: clinical testing. Allele origin: germline.
Comment: This sequence change replaces asparagine, which is neutral and polar, with aspartic acid, which is acidic and polar, at codon 1255 of the BPTF protein (p.Asn1255Asp). This variant is present in population databases (no rsID available, gnomAD no frequency). This variant has not been reported in the literature in individuals affected with BPTF-related conditions. ClinVar contains an entry for this variant (Variation ID: 3027225). An algorithm developed to predict the effect of missense changes on protein structure and function (PolyPhen-2) suggests that this variant is likely to be tolerated. In summary, the available evidence is currently insufficient to determine the role of this variant in disease. Therefore, it has been classified as a Variant of Uncertain Significance.

CeGaT Center for Human Genetics Tuebingen
Classification: Likely benign. Last evaluated: 2024-02-01. Review status: criteria provided, single submitter. Criteria: CeGaT Center For Human Genetics Tuebingen Variant Classification Criteria Version 2. Collection method: clinical testing. Allele origin: germline. Affected: yes. Observed: 1 variant allele.
Comment: BPTF: BP4

NM_182641.4(BPTF):c.3385A>G (p.Asn1129Asp)

Gene: BPTF (bromodomain PHD finger transcription factor; plus strand). Cytogenetic location: 17q24.2.
Variant type: single nucleotide variant.
Coding change: c.3385A>G on transcript NM_182641.4 (MANE Select); coding-DNA position 3385, A replaced by G.
Protein change: p.Asn1129Asp; replaces asparagine 1129 with aspartic acid.
Molecular consequence: missense variant.
Genome position (GRCh38, 1-based): chr17:67,911,269, A>G. VCF-style: chr17-67911269-A-G. GRCh37 (hg19) VCF-style: chr17-65907385-A-G.
Other names: c.3763A>G, p.Asn1255Asp (NM_004459.7); short protein forms N1129D, N1255D.
Identifiers: ClinVar variation 3027225 (VCV003027225.23), dbSNP rs1293898535, ClinGen allele CA400726418.